The following is an entry in ClinVar:

ClinVar aggregate classification (germline): Likely benign (1 of 4 stars; one submission).

Submission:

CeGaT Center for Human Genetics Tuebingen
Classification: Likely benign. Last evaluated: 2024-12-01. Review status: criteria provided, single submitter. Criteria: CeGaT Center For Human Genetics Tuebingen Variant Classification Criteria Version 2. Collection method: clinical testing. Allele origin: germline. Affected: yes. Observed: 1 variant allele.
Comment: SOX11: PM2:Supporting, BP4, BP7

NM_003108.4(SOX11):c.1074C>T (p.Ala358=)

Gene: SOX11 (SRY-box transcription factor 11; plus strand). Cytogenetic location: 2p25.2.
Variant type: single nucleotide variant.
Coding change: c.1074C>T on transcript NM_003108.4 (MANE Select); coding-DNA position 1074, C replaced by T.
Protein change: p.Ala358=; no amino-acid change (alanine 358 retained).
Molecular consequence: synonymous variant.
Genome position (GRCh38, 1-based): chr2:5,693,795, C>T. VCF-style: chr2-5693795-C-T. GRCh37 (hg19) VCF-style: chr2-5833927-C-T.
Identifiers: ClinVar variation 3771076 (VCV003771076.13).